The following is an entry in ClinVar:

NM_001039.4(SCNN1G):c.776C>A (p.Thr259Asn)

Gene: SCNN1G (sodium channel epithelial 1 subunit gamma; plus strand). Cytogenetic location: 16p12.2.
Variant type: single nucleotide variant.
Coding change: c.776C>A on transcript NM_001039.4 (MANE Select); coding-DNA position 776, C replaced by A.
Protein change: p.Thr259Asn; replaces threonine 259 with asparagine.
Molecular consequence: missense variant.
Genome position (GRCh38, 1-based): chr16:23,192,509, C>A. VCF-style: chr16-23192509-C-A. GRCh37 (hg19) VCF-style: chr16-23203830-C-A.
Other names: short protein forms T259N.
Identifiers: ClinVar variation 318353 (VCV000318353.12), dbSNP rs72646501, ClinGen allele CA7959649.

ClinVar aggregate classification (germline): Conflicting classifications of pathogenicity. Review status: criteria provided, conflicting classifications (1 of 4 stars). 6 submissions from 5 submitters: Uncertain significance (4); Benign (1); Likely benign (1). Last evaluated 2025-11-19.

Conditions:
Pseudohypoaldosteronism, type IB1, autosomal recessive. Also called: Autosomal recessive pseudohypoaldosteronism type 1; PHA I, AUTOSOMAL RECESSIVE; Pseudohypoaldosteronism, Type I, Autosomal Recessive; Pseudohypoaldosteronism, Type I, Recessive. Identifiers: Orphanet 171876, Orphanet 756, MedGen C5774176, MONDO:0009917, OMIM 264350.
Liddle syndrome 2. Identifiers: MedGen C4748251, MONDO:0020854, OMIM 618114.

Allele frequency attached by ClinVar (database versions not stated): ExAC 0.00030; TOPMed 0.00036; gnomAD exomes 0.00037; gnomAD 0.00040 and 0.00044; ESP Exome Variant Server 0.00062.
gnomAD v4.1: 1,049 of 1,612,498 alleles (0.065%); highest among the groups gnomAD compares: Non-Finnish European, 0.081%; 1 homozygote.

Submissions (6):

Labcorp Genetics (formerly Invitae), Labcorp
Classification: Uncertain significance. Last evaluated: 2025-11-19. Review status: criteria provided, single submitter. Criteria: Invitae Variant Classification Sherloc (09022015). Collection method: clinical testing. Allele origin: germline.
Comment: This sequence change replaces threonine, which is neutral and polar, with asparagine, which is neutral and polar, at codon 259 of the SCNN1G protein (p.Thr259Asn). This variant is present in population databases (rs72646501, gnomAD 0.07%). This variant has not been reported in the literature in individuals affected with SCNN1G-related conditions. ClinVar contains an entry for this variant (Variation ID: 318353). Invitae Evidence Modeling of protein sequence and biophysical properties (such as structural, functional, and spatial information, amino acid conservation, physicochemical variation, residue mobility, and thermodynamic stability) indicates that this missense variant is not expected to disrupt SCNN1G protein function with a negative predictive value of 80%. In summary, the available evidence is currently insufficient to determine the role of this variant in disease. Therefore, it has been classified as a Variant of Uncertain Significance.

Blueprint Genetics
Classification: Likely benign. Last evaluated: 2024-11-18. Review status: criteria provided, single submitter. Criteria: ACMG Guidelines, 2015. Collection method: clinical testing. Allele origin: germline.

Women's Health and Genetics/Laboratory Corporation of America, LabCorp
Classification: Uncertain significance. Last evaluated: 2023-11-28. Review status: criteria provided, single submitter. Criteria: LabCorp Variant Classification Summary - May 2015. Collection method: clinical testing. Allele origin: germline.
Comment: Variant summary: SCNN1G c.776C>A (p.Thr259Asn) results in a non-conservative amino acid change in the encoded protein sequence. Five of five in-silico tools predict a damaging effect of the variant on protein function. The variant allele was found at a frequency of 0.00037 in 251270 control chromosomes (gnomAD). To our knowledge, no occurrence of c.776C>A in individuals affected with SCNN1G-Related Disorders and no experimental evidence demonstrating its impact on protein function have been reported. Four submitters have cited clinical-significance assessments for this variant to ClinVar after 2014, and classified it as uncertain significance (n=3) or benign (n=1). Based on the evidence outlined above, the variant was classified as uncertain significance.

Illumina Laboratory Services, Illumina
Classification: Uncertain significance for Pseudohypoaldosteronism, type IB1, autosomal recessive. Last evaluated: 2018-01-13. Review status: criteria provided, single submitter. Criteria: ICSL Variant Classification Criteria 13 December 2019. Collection method: clinical testing. Allele origin: germline.

Illumina Laboratory Services, Illumina
Classification: Benign for Liddle syndrome 2. Last evaluated: 2018-01-13. Review status: criteria provided, single submitter. Criteria: ICSL Variant Classification Criteria 13 December 2019. Collection method: clinical testing. Allele origin: germline.
Comment: This variant was observed in the ICSL laboratory as part of a predisposition screen in an ostensibly healthy population. It had not been previously curated by ICSL or reported in the Human Gene Mutation Database (HGMD: prior to June 1st, 2018), and was therefore a candidate for classification through an automated scoring system. Utilizing variant allele frequency, disease prevalence and penetrance estimates, and inheritance mode, an automated score was calculated to assess if this variant is too frequent to cause the disease. Based on the score and internal cut-off values, a variant classified as benign is not then subjected to further curation. The score for this variant resulted in a classification of benign for this disease.

Athena Diagnostics
Classification: Uncertain significance. Last evaluated: 2017-09-30. Review status: criteria provided, single submitter. Criteria: Athena Diagnostics Criteria. Collection method: clinical testing. Allele origin: germline.

Literature cited by the submitters: PubMed 23149595 (cited by Athena Diagnostics); PubMed 26135620 (cited by Athena Diagnostics).